The following is an entry in ClinVar:

ClinVar aggregate classification (germline): Pathogenic. Review status: reviewed by expert panel (3 of 4 stars). 5 submissions from 5 submitters: Pathogenic (1). 4 of the submissions do not count toward it. Last evaluated 2025-10-28.

Conditions:
Early-infantile DEE. Also called: Ohtahara syndrome; Early infantile epileptic encephalopathy; Early infantile epileptic encephalopathy with suppression bursts. Identifiers: Orphanet 1934, MedGen C0393706, MONDO:0800491.
SCN8A-related disorder.
Complex neurodevelopmental disorder. Identifiers: Orphanet 528084, MedGen C5568766, MONDO:0100038.
COGNITIVE IMPAIRMENT WITHOUT CEREBELLAR ATAXIA.

Submissions (5):

ClinGen Epilepsy Sodium Channel Variant Curation Expert Panel, Clingen
Classification: Pathogenic for Complex neurodevelopmental disorder. Last evaluated: 2025-10-28. Review status: reviewed by expert panel. Criteria: ClinGen EpilepsySCN ACMG Specifications SCN8A V2.0.0. Collection method: curation. Allele origin: germline. Inheritance: Autosomal dominant inheritance.
Comment: The c.3652G>A variant in SCN8A is a missense variant predicted to cause substitution of glutamate by lysine at amino acid 1218 (p.Glu1218Lys). This variant has been reported in 5 probands with a complex neurodevelopmental disorder (PS4) (PMID: 28702509, Internal lab collaborators - GeneDx and LabCorp). In one case, the variant was inherited from an affected father (Internal lab collaborator - GeneDx). This variant is absent from gnomAD v4 (PM2_supporting). Functional studies showed that the variant results in complete prevention of the generation of sodium currents in transfected cells, and the abundance of Nav1.6 protein was reduced, indicating that this variant impacts protein function (PMID: 28702509) (PS3). The computational predictor REVEL gives a score of 0.952, evidence that correlated with impact to SCN8A function (PP3). In summary, this variant meets the criteria to be classified as pathogenic for autosomal dominant complex neurodevelopmental disorder based on the ACMG/AMP criteria applied, as specified by the ClinGen Epilepsy Sodium Channel Expert Panel (PS3, PS4, PP3_moderate, PM2_supporting; ClinGen Epilepsy Sodium Channel Expert Panel Specifications to the ACMG/AMP Variant Interpretation Guidelines for SCN8A Version 2.0.0; approved 10/28/2025).

GeneDx
Classification: Likely pathogenic. Last evaluated: 2026-04-17. Review status: criteria provided, single submitter. Criteria: GeneDx Variant Classification Process June 2021. Collection method: clinical testing. Allele origin: germline. Not counted in ClinVar's aggregate classification.
Comment: Published functional studies demonstrate a damaging effect on protein expression and a complete loss of sodium channel activity (PMID: 28702509); This substitution is predicted to be within the extracellular loop between the S1 and S2 transmembrane segments of the third homologous domain; Not observed at significant frequency in large population cohorts (gnomAD); In silico analysis supports that this missense variant has a deleterious effect on protein structure/function; This variant is associated with the following publications: (PMID: 28702509)

Labcorp Genetics (formerly Invitae), Labcorp
Classification: Uncertain significance for Early-infantile DEE. Last evaluated: 2025-08-14. Review status: criteria provided, single submitter. Criteria: Invitae Variant Classification Sherloc (09022015). Collection method: clinical testing. Allele origin: germline. Not counted in ClinVar's aggregate classification.
Comment: This sequence change replaces glutamic acid, which is acidic and polar, with lysine, which is basic and polar, at codon 1218 of the SCN8A protein (p.Glu1218Lys). This variant is not present in population databases (gnomAD no frequency). This missense change has been observed in individual(s) with intellectual disability and global developmental delay (PMID: 28702509). ClinVar contains an entry for this variant (Variation ID: 624624). Invitae Evidence Modeling of protein sequence and biophysical properties (such as structural, functional, and spatial information, amino acid conservation, physicochemical variation, residue mobility, and thermodynamic stability) indicates that this missense variant is expected to disrupt SCN8A protein function with a positive predictive value of 95%. Experimental studies have shown that this missense change affects SCN8A function (PMID: 28702509). In summary, the available evidence is currently insufficient to determine the role of this variant in disease. Therefore, it has been classified as a Variant of Uncertain Significance.

Blueprint Genetics
Classification: Likely pathogenic for SCN8A-related disorders. Last evaluated: 2022-02-07. Review status: criteria provided, single submitter. Criteria: ACMG Guidelines, 2015. Collection method: clinical testing. Allele origin: germline. Affected: yes. Observed: 3 variant alleles. Not counted in ClinVar's aggregate classification.

OMIM
Classification: Pathogenic for COGNITIVE IMPAIRMENT WITHOUT CEREBELLAR ATAXIA. Last evaluated: 2019-03-29. Review status: no assertion criteria provided. Collection method: literature only. Allele origin: germline. Not counted in ClinVar's aggregate classification.

Literature cited by the submitters: PubMed 28702509 (cited by Labcorp Genetics (formerly Invitae), Labcorp and OMIM).

NM_001330260.2(SCN8A):c.3652G>A (p.Glu1218Lys)

Gene: SCN8A (sodium voltage-gated channel alpha subunit 8; plus strand). Cytogenetic location: 12q13.13.
Variant type: single nucleotide variant.
Coding change: c.3652G>A on transcript NM_001330260.2 (MANE Select); coding-DNA position 3652, G replaced by A.
Protein change: p.Glu1218Lys; replaces glutamic acid 1218 with lysine.
Molecular consequence: missense variant.
Genome position (GRCh38, 1-based): chr12:51,774,195, G>A. VCF-style: chr12-51774195-G-A. GRCh37 (hg19) VCF-style: chr12-52167979-G-A.
Other names: NM_001330260.2(SCN8A):c.3652G>A; p.Glu1218Lys; c.3652G>A, p.Glu1218Lys (NM_001177984.3, NM_001369788.1, NM_014191.4); short protein forms E1218K.
Identifiers: ClinVar variation 624624 (VCV000624624.15), dbSNP rs1555226823, ClinGen allele CA384898686.